The following is an entry in ClinVar:

NM_004183.4(BEST1):c.241G>C (p.Val81Leu)

Gene: BEST1 (bestrophin 1; plus strand). Cytogenetic location: 11q12.3.
Variant type: single nucleotide variant.
Coding change: c.241G>C on transcript NM_004183.4 (MANE Select); coding-DNA position 241, G replaced by C.
Protein change: p.Val81Leu; replaces valine 81 with leucine.
Molecular consequence: missense variant. On other transcripts: non-coding transcript variant (1).
Genome position (GRCh38, 1-based): chr11:61,955,195, G>C. VCF-style: chr11-61955195-G-C. GRCh37 (hg19) VCF-style: chr11-61722667-G-C.
Other names: c.61G>C, p.Val21Leu (NM_001139443.3, NM_001300786.2, NM_001300787.2); c.241G>C, p.Val81Leu (NM_001363592.2); short protein forms V21L, V81L.
Identifiers: ClinVar variation 1058157 (VCV001058157.7), dbSNP rs1555098634, ClinGen allele CA380833839.

ClinVar aggregate classification (germline): Pathogenic (1 of 4 stars; one submission).

Submission:

Labcorp Genetics (formerly Invitae), Labcorp
Classification: Pathogenic. Last evaluated: 2024-10-25. Review status: criteria provided, single submitter. Criteria: Invitae Variant Classification Sherloc (09022015). Collection method: clinical testing. Allele origin: germline.
Comment: This sequence change replaces valine, which is neutral and non-polar, with leucine, which is neutral and non-polar, at codon 81 of the BEST1 protein (p.Val81Leu). This variant is not present in population databases (gnomAD no frequency). This missense change has been observed in individuals with clinical features of autosomal dominant retinitis pigmentosa (internal data). This variant has been reported in individual(s) with autosomal recessive bestrophinopathy (PMID: 31519547); however, the role of the variant in this condition is currently unclear. ClinVar contains an entry for this variant (Variation ID: 1058157). Invitae Evidence Modeling of protein sequence and biophysical properties (such as structural, functional, and spatial information, amino acid conservation, physicochemical variation, residue mobility, and thermodynamic stability) indicates that this missense variant is expected to disrupt BEST1 protein function with a positive predictive value of 95%. This variant disrupts the p.Val81 amino acid residue in BEST1. Other variant(s) that disrupt this residue have been determined to be pathogenic (PMID: 21109774, 26201355, 28687848, 31519547). This suggests that this residue is clinically significant, and that variants that disrupt this residue are likely to be disease-causing. For these reasons, this variant has been classified as Pathogenic.

Literature cited by the submitters: PubMed 31519547; PubMed 21109774; PubMed 26201355; PubMed 28687848.